The following is an entry in ClinVar:

ClinVar aggregate classification (germline): Uncertain significance (1 of 4 stars; one submission).

Conditions:
Spastic paraplegia. Identifiers: MedGen C0037772, HP:0001258.

Allele frequency attached by ClinVar (database versions not stated): gnomAD 0.00007; TOPMed 0.00008; ESP Exome Variant Server 0.00023.
gnomAD v4.1: 23 of 1,614,170 alleles (0.0014%); highest among the groups gnomAD compares: African/African-American, 0.029%; no homozygotes.

Submission:

Labcorp Genetics (formerly Invitae), Labcorp
Classification: Uncertain significance for Spastic paraplegia. Last evaluated: 2022-02-06. Review status: criteria provided, single submitter. Criteria: Invitae Variant Classification Sherloc (09022015). Collection method: clinical testing. Allele origin: germline.
Comment: This sequence change replaces proline, which is neutral and non-polar, with threonine, which is neutral and polar, at codon 303 of the ZFYVE26 protein (p.Pro303Thr). This variant is present in population databases (rs146345641, gnomAD 0.02%). This variant has not been reported in the literature in individuals affected with ZFYVE26-related conditions. Algorithms developed to predict the effect of missense changes on protein structure and function are either unavailable or do not agree on the potential impact of this missense change (SIFT: "Tolerated"; PolyPhen-2: "Possibly Damaging"; Align-GVGD: "Class C0"). In summary, the available evidence is currently insufficient to determine the role of this variant in disease. Therefore, it has been classified as a Variant of Uncertain Significance.

NM_015346.4(ZFYVE26):c.907C>A (p.Pro303Thr)

Gene: ZFYVE26 (zinc finger FYVE-type containing 26; minus strand). Cytogenetic location: 14q24.1.
Variant type: single nucleotide variant.
Coding change: c.907C>A on transcript NM_015346.4 (MANE Select); coding-DNA position 907, C replaced by A.
Protein change: p.Pro303Thr; replaces proline 303 with threonine.
Molecular consequence: missense variant.
Genome position (GRCh38, 1-based): chr14:67,806,655, G>T on the plus strand (C>A on the coding strand, the complement: ZFYVE26 is on the minus strand). VCF-style: chr14-67806655-G-T. GRCh37 (hg19) VCF-style: chr14-68273372-G-T.
Other names: short protein forms P303T.
Identifiers: ClinVar variation 2157608 (VCV002157608.1), dbSNP rs146345641, ClinGen allele CA7240661.
Genomic context (GRCh38, chr14:67,806,655, plus strand): 5'-CCACTTTCCAAGCCTCGGCTGGGTTGGGATTGGAGAACAGGGCTAGCATTGCCCGCTCAG[G>T]ATCTAGATGATCCGGTGAGACTGAACATCAAACAAGACGGTTATCAGGAAACCAAGAACT-3'
Protein context (NP_056161.2, residues 293-313): SGKVSPDHLD[Pro303Thr]ERAMLALFSN